The following is an entry in ClinVar:

ClinVar aggregate classification (germline): Uncertain significance (1 of 4 stars; one submission).

Conditions:
Familial temporal lobe epilepsy 8. Identifiers: Orphanet 101046, MedGen C4225318, MONDO:0014650, OMIM 616461.

Allele frequency attached by ClinVar (database versions not stated): TOPMed 0.00003; gnomAD 0.00005; gnomAD exomes 0.00005; ExAC 0.00007.
gnomAD v4.1: 99 of 1,611,578 alleles (0.0061%); highest among the groups gnomAD compares: Non-Finnish European, 0.0082%; no homozygotes.

Submission:

Labcorp Genetics (formerly Invitae), Labcorp
Classification: Uncertain significance for Familial temporal lobe epilepsy 8. Last evaluated: 2020-05-20. Review status: criteria provided, single submitter. Criteria: Invitae Variant Classification Sherloc (09022015). Collection method: clinical testing. Allele origin: germline.
Comment: This variant is present in population databases (rs768058377, ExAC 0.02%). In summary, the available evidence is currently insufficient to determine the role of this variant in disease. Therefore, it has been classified as a Variant of Uncertain Significance. Algorithms developed to predict the effect of missense changes on protein structure and function output the following: SIFT: "Not Available"; PolyPhen-2: "Benign"; Align-GVGD: "Not Available". The proline amino acid residue is found in multiple mammalian species, suggesting that this missense change does not adversely affect protein function. These predictions have not been confirmed by published functional studies and their clinical significance is uncertain. This variant has not been reported in the literature in individuals with GAL-related conditions. This sequence change replaces arginine with proline at codon 67 of the GAL protein (p.Arg67Pro). The arginine residue is weakly conserved and there is a moderate physicochemical difference between arginine and proline.

NM_015973.5(GAL):c.200G>C (p.Arg67Pro)

Gene: GAL (galanin and GMAP prepropeptide; plus strand). Cytogenetic location: 11q13.2.
Variant type: single nucleotide variant.
Coding change: c.200G>C on transcript NM_015973.5 (MANE Select); coding-DNA position 200, G replaced by C.
Protein change: p.Arg67Pro; replaces arginine 67 with proline.
Molecular consequence: missense variant.
Genome position (GRCh38, 1-based): chr11:68,688,077, G>C. VCF-style: chr11-68688077-G-C. GRCh37 (hg19) VCF-style: chr11-68455545-G-C.
Other names: short protein forms R67P.
Identifiers: ClinVar variation 1039520 (VCV001039520.7), dbSNP rs768058377, ClinGen allele CA6151480.